The following is an entry in ClinVar:

NM_001378615.1(CC2D2A):c.4544A>G (p.His1515Arg)

Genes: CC2D2A (coiled-coil and C2 domain containing 2A; plus strand), FBXL5 (F-box and leucine rich repeat protein 5; minus strand). Cytogenetic location: 4p15.32.
Variant type: single nucleotide variant.
Coding change: c.4544A>G on transcript NM_001378615.1 (MANE Select); coding-DNA position 4544, A replaced by G.
Protein change: p.His1515Arg; replaces histidine 1515 with arginine.
Molecular consequence: missense variant.
Genome position (GRCh38, 1-based): chr4:15,599,576, A>G. VCF-style: chr4-15599576-A-G. GRCh37 (hg19) VCF-style: chr4-15601199-A-G.
Other names: c.4544A>G, p.His1515Arg (NM_001080522.2); c.4397A>G, p.His1466Arg (NM_001378617.1); short protein forms H1466R, H1515R.
Identifiers: ClinVar variation 2156965 (VCV002156965.2), dbSNP rs371944691, ClinGen allele CA92536380.

ClinVar aggregate classification (germline): Uncertain significance. Review status: criteria provided, multiple submitters, no conflicts (2 of 4 stars). 2 submissions from 2 submitters: Uncertain significance (2). Last evaluated 2022-08-24.

Conditions:
Joubert syndrome. Also called: JOUBERT-BOLTSHAUSER SYNDROME; Familial aplasia of the vermis. Identifiers: Orphanet 475, MedGen C5979921, MONDO:0018772.
Meckel-Gruber syndrome. Also called: DYSENCEPHALIA SPLANCHNOCYSTICA; GRUBER SYNDROME; Dysencephalia splachnocystica. Identifiers: Orphanet 564, MedGen C0265215, MONDO:0018921.
Neurodevelopmental disorder. Identifiers: MedGen C1535926, MeSH D065886, MONDO:0700092.

Allele frequency attached by ClinVar (database versions not stated): gnomAD exomes 0.00002; ESP Exome Variant Server 0.00008.
gnomAD v4.1: 21 of 1,604,304 alleles (0.0013%); highest among the groups gnomAD compares: Non-Finnish European, 0.0018%; no homozygotes.

Submissions (2):

Laboratory of Molecular Genetics (Pr. Bezieau's lab), CHU de Nantes
Classification: Uncertain significance for Neurodevelopmental disorder. Last evaluated: 2022-08-24. Review status: criteria provided, single submitter. Criteria: ACMG Guidelines, 2015. Collection method: clinical testing. Allele origin: germline. Affected: yes.

Labcorp Genetics (formerly Invitae), Labcorp
Classification: Uncertain significance for Joubert syndrome; Meckel-Gruber syndrome. Last evaluated: 2022-08-21. Review status: criteria provided, single submitter. Criteria: Invitae Variant Classification Sherloc (09022015). Collection method: clinical testing. Allele origin: germline.
Comment: This variant is not present in population databases (gnomAD no frequency). This sequence change replaces histidine, which is basic and polar, with arginine, which is basic and polar, at codon 1515 of the CC2D2A protein (p.His1515Arg). This variant has not been reported in the literature in individuals affected with CC2D2A-related conditions. In summary, the available evidence is currently insufficient to determine the role of this variant in disease. Therefore, it has been classified as a Variant of Uncertain Significance. Algorithms developed to predict the effect of missense changes on protein structure and function output the following: SIFT: "Tolerated"; PolyPhen-2: "Benign"; Align-GVGD: "Class C0". The arginine amino acid residue is found in multiple mammalian species, which suggests that this missense change does not adversely affect protein function.